The following is an entry in ClinVar:

ClinVar aggregate classification (germline): Uncertain significance (1 of 4 stars; one submission).

Conditions:
Myofibrillar myopathy 4. Also called: Zaspopathy (type). Identifiers: Orphanet 98912, MedGen C4721886, MONDO:0012277, OMIM 609452.

Allele frequency attached by ClinVar (database versions not stated): gnomAD 0.00001; gnomAD exomes 0.00001; ExAC 0.00002; TOPMed 0.00002; ESP Exome Variant Server 0.00008.

Submission:

Labcorp Genetics (formerly Invitae), Labcorp
Classification: Uncertain significance for Myofibrillar myopathy 4. Last evaluated: 2023-05-23. Review status: criteria provided, single submitter. Criteria: Invitae Variant Classification Sherloc (09022015). Collection method: clinical testing. Allele origin: germline.
Comment: Algorithms developed to predict the effect of sequence changes on RNA splicing suggest that this variant is not likely to affect RNA splicing. In summary, the available evidence is currently insufficient to determine the role of this variant in disease. Therefore, it has been classified as a Variant of Uncertain Significance. Experimental studies and prediction algorithms are not available or were not evaluated, and the functional significance of this variant is currently unknown. ClinVar contains an entry for this variant (Variation ID: 1096656). This missense change has been observed in individual(s) with clinical features of myofibrillar myopathy (Invitae). This variant is present in population databases (rs146527589, gnomAD 0.01%). This sequence change replaces threonine, which is neutral and polar, with isoleucine, which is neutral and non-polar, at codon 132 of the LDB3 protein (p.Thr132Ile). The LDB3 gene has multiple clinically relevant transcripts. This variant occurs in alternate transcript NM_007078.3, and corresponds to NM_001080116.1:c.321+1352C>T in the primary transcript.

NM_007078.3(LDB3):c.395C>T (p.Thr132Ile)

Gene: LDB3 (LIM domain binding 3; plus strand). Cytogenetic location: 10q23.2.
Variant type: single nucleotide variant.
Coding change: c.395C>T on transcript NM_007078.3 (MANE Select); coding-DNA position 395, C replaced by T.
Protein change: p.Thr132Ile; replaces threonine 132 with isoleucine.
Molecular consequence: missense variant. On other transcripts: intron variant (5).
Genome position (GRCh38, 1-based): chr10:86,681,509, C>T. VCF-style: chr10-86681509-C-T. GRCh37 (hg19) VCF-style: chr10-88441266-C-T.
Other names: c.395C>T, p.Thr132Ile (NM_001080115.2, NM_001171610.2, NM_001171611.2 and 3 more transcripts); c.321+1352C>T (NM_001368068.1, NM_001368066.1, NM_001080114.2 and 2 more transcripts); short protein forms T132I.
Identifiers: ClinVar variation 1096656 (VCV001096656.9), dbSNP rs146527589, ClinGen allele CA5584690.